The following is an entry in ClinVar:

ClinVar aggregate classification (germline): Uncertain significance (1 of 4 stars; one submission).

Conditions:
Primary ciliary dyskinesia. Also called: Ciliary dyskinesia. Identifiers: Orphanet 244, MedGen C0008780, MONDO:0016575, HP:0012265.

gnomAD v4.1: 4 of 1,614,046 alleles (0.00025%); highest among the groups gnomAD compares: Admixed American, 0.005%; no homozygotes.

Submission:

Ambry Genetics
Classification: Uncertain significance for Primary ciliary dyskinesia. Last evaluated: 2026-06-09. Review status: criteria provided, single submitter. Criteria: Ambry Variant Classification Scheme 2023. Collection method: clinical testing. Allele origin: germline.
Comment: The p.V2851I variant (also known as c.8551G>A), located in coding exon 51 of the DNAH5 gene, results from a G to A substitution at nucleotide position 8551. The valine at codon 2851 is replaced by isoleucine, an amino acid with highly similar properties. This amino acid position is conserved. In addition, this alteration is predicted to be tolerated by in silico analysis. Based on the available evidence, the clinical significance of this variant remains unclear.

NM_001369.3(DNAH5):c.8551G>A (p.Val2851Ile)

Gene: DNAH5 (dynein axonemal heavy chain 5; minus strand). Cytogenetic location: 5p15.2.
Variant type: single nucleotide variant.
Coding change: c.8551G>A on transcript NM_001369.3 (MANE Select); coding-DNA position 8551, G replaced by A.
Protein change: p.Val2851Ile; replaces valine 2851 with isoleucine.
Molecular consequence: missense variant.
Genome position (GRCh38, 1-based): chr5:13,788,812, C>T on the plus strand (G>A on the coding strand, the complement: DNAH5 is on the minus strand). VCF-style: chr5-13788812-C-T. GRCh37 (hg19) VCF-style: chr5-13788921-C-T.
Other names: short protein forms V2851I.
Identifiers: ClinVar variation 4242594 (VCV004242594.2).